The following is an entry in ClinVar:

NM_000059.4(BRCA2):c.7119C>G (p.Ser2373Arg)

Gene: BRCA2 (BRCA2 DNA repair associated; plus strand). Cytogenetic location: 13q13.1.
Variant type: single nucleotide variant.
Coding change: c.7119C>G on transcript NM_000059.4 (MANE Select); coding-DNA position 7119, C replaced by G.
Protein change: p.Ser2373Arg; replaces serine 2373 with arginine.
Molecular consequence: missense variant.
Genome position (GRCh38, 1-based): chr13:32,354,972, C>G. VCF-style: chr13-32354972-C-G. GRCh37 (hg19) VCF-style: chr13-32929109-C-G.
Other names: short protein forms S2373R.
Identifiers: ClinVar variation 233146 (VCV000233146.6), dbSNP rs786202624, ClinGen allele CA10579724.

ClinVar aggregate classification (germline): Uncertain significance. Review status: criteria provided, multiple submitters, no conflicts (2 of 4 stars). 2 submissions from 2 submitters: Uncertain significance (2). Last evaluated 2023-07-20.

Conditions:
Hereditary cancer-predisposing syndrome. Also called: Neoplastic Syndromes, Hereditary; Tumor predisposition; Hereditary Cancer Syndrome; Hereditary neoplastic syndrome. Identifiers: Orphanet 140162, MedGen C0027672, MeSH D009386, MONDO:0015356.

Submissions (2):

Quest Diagnostics Nichols Institute San Juan Capistrano
Classification: Uncertain significance. Last evaluated: 2023-07-20. Review status: criteria provided, single submitter. Criteria: Quest Diagnostics criteria. Collection method: clinical testing. Allele origin: unknown.
Comment: In the published literature, this variant has been identified in a study of BRCA1 and BRCA2 regions without essential functions that tolerate variation (PMID: 31911673 (2020)). This variant has not been reported in large, multi-ethnic general populations (Genome Aggregation Database). Analysis of this variant using bioinformatics tools for the prediction of the effect of amino acid changes on protein structure and function yielded conflicting predictions that this variant is benign or damaging. Based on the available information, we are unable to determine the clinical significance of this variant.

Ambry Genetics
Classification: Uncertain significance for Hereditary cancer-predisposing syndrome. Last evaluated: 2018-11-27. Review status: criteria provided, single submitter. Criteria: Ambry Variant Classification Scheme 2023. Collection method: clinical testing. Allele origin: germline.
Comment: The p.S2373R variant (also known as c.7119C>G), located in coding exon 13 of the BRCA2 gene, results from a C to G substitution at nucleotide position 7119. The serine at codon 2373 is replaced by arginine, an amino acid with dissimilar properties. This amino acid position is well conserved in available vertebrate species. In addition, the in silico prediction for this alteration is inconclusive. Since supporting evidence is limited at this time, the clinical significance of this alteration remains unclear.

Literature cited by the submitters: PubMed 31911673 (cited by Quest Diagnostics Nichols Institute San Juan Capistrano).